The following is an entry in ClinVar:

ClinVar aggregate classification (germline): Likely pathogenic (1 of 4 stars; one submission).

Conditions:
Fanconi anemia complementation group A (FANCA). Also called: Fanconi anemia, group A; FANCA-Related Fanconi Anemia. Identifiers: Orphanet 84, MedGen C3469521, MONDO:0009215, OMIM 227650.

Submission:

Clinical Immunology, Karolinska University Hospital
Classification: Likely pathogenic for Fanconi anemia complementation group A. Last evaluated: 2024-10-29. Review status: criteria provided, single submitter. Criteria: ACMG Guidelines, 2015. Collection method: clinical testing. Allele origin: germline. Inheritance: Autosomal recessive inheritance. Affected: yes.

NM_000135.4(FANCA):c.2888T>C (p.Phe963Ser)

Gene: FANCA (FA complementation group A; minus strand). Cytogenetic location: 16q24.3.
Variant type: single nucleotide variant.
Coding change: c.2888T>C on transcript NM_000135.4 (MANE Select); coding-DNA position 2888, T replaced by C.
Protein change: p.Phe963Ser; replaces phenylalanine 963 with serine.
Molecular consequence: missense variant.
Genome position (GRCh38, 1-based): chr16:89,758,670, A>G on the plus strand (T>C on the coding strand, the complement: FANCA is on the minus strand). VCF-style: chr16-89758670-A-G. GRCh37 (hg19) VCF-style: chr16-89825078-A-G.
Other names: c.2888T>C, p.Phe963Ser (NM_001286167.3); short protein forms F963S.
Identifiers: ClinVar variation 3901293 (VCV003901293.1).